The following is an entry in ClinVar:

ClinVar aggregate classification (germline): Pathogenic (1 of 4 stars; one submission).

Submission:

ISCA Site 6
Classification: Pathogenic. Last evaluated: 2011-08-12. Review status: criteria provided, single submitter. Criteria: Kaminsky et al. (Genet Med. 2011). Collection method: clinical testing. Allele origin: unknown. Affected: yes. Observed: 1 variant allele.
Comment: Copy number variation identified through the course of routine clinical cytogenomic testing in postnatal populations. Clinical assertions have been curated as described in Kaminsky et al. 2011.

GRCh38/hg38 12q21.31(chr12:80538484-80798086)x1

Genes: LIN7A (lin-7 homolog A, crumbs cell polarity complex component; minus strand), LINC01490 (long intergenic non-protein coding RNA 1490; plus strand), MYF5 (myogenic factor 5; plus strand), MYF6 (myogenic factor 6; plus strand), PTPRQ (protein tyrosine phosphatase receptor type Q; plus strand) and 5 more. Cytogenetic location: 12q21.31.
Variant type: copy number loss.
Change: copy number 1 (one copy instead of two) of chr12:80,538,484-80,798,086 (259.6 kb, GRCh38 coordinates, 1-based), cytogenetic band 12q21.31.
Identifiers: ClinVar variation 57589 (VCV000057589.2).